The following is an entry in ClinVar:

NM_015311.3(OBSL1):c.5018GGCTCC[3] (p.Leu1676_Gln1677insArgLeu)

Gene: OBSL1 (obscurin like cytoskeletal adaptor 1; minus strand). Cytogenetic location: 2q35.
Variant type: Microsatellite.
Coding change: c.5018GGCTCC[3] on transcript NM_015311.3 (MANE Select); three copies in a row of the 6-base unit GGCTCC starting at c.5018; the reference has two copies in a row; one copy, 6 bases duplicated.
Protein change: p.Leu1676_Gln1677insArgLeu.
Genome position (GRCh38, 1-based): chr2:219,552,985-219,552,990, GGAGCC duplicated on the plus strand (GGCTCC on the coding strand, the reverse complement: OBSL1 is on the minus strand); duplicating any 6 consecutive bases within chr2:219,552,985-219,552,997 gives the same sequence; the position shown is the placement nearest the transcript's 3' end. VCF-style (leftmost placement, unchanged base first): chr2-219552984-T-TGGAGCC. GRCh37 (hg19) VCF-style: chr2-220417706-T-TGGAGCC.
Other names: c.5024_5029dupGGCTCC (NM_015311.3).
Identifiers: ClinVar variation 4848363 (VCV004848363.1).

ClinVar aggregate classification (germline): Uncertain significance (1 of 4 stars; one submission).

Submission:

Women's Health and Genetics/Laboratory Corporation of America, LabCorp
Classification: Uncertain significance. Last evaluated: 2026-04-21. Review status: criteria provided, single submitter. Criteria: LabCorp Variant Classification Summary - May 2015. Collection method: clinical testing. Allele origin: germline.
Comment: Variant summary: OBSL1 c.5024_5029dupGGCTCC (p.Arg1675_Leu1676dup) results in an in-frame duplication that is predicted to duplicate 2 amino acids into the encoded protein. The variant allele was found at a frequency of 1.6e-05 in 122878 control chromosomes. The available data on variant occurrences in the general population are insufficient to allow any conclusion about variant significance. To our knowledge, no occurrence of c.5024_5029dupGGCTCC in individuals affected with OBSL1-related conditions and no experimental evidence demonstrating its impact on protein function have been reported. No submitters have cited clinical-significance assessments for this variant to ClinVar. Based on the evidence outlined above, the variant was classified as uncertain significance.